The following is an entry in ClinVar:

ClinVar aggregate classification (germline): Benign/Likely benign. Review status: criteria provided, multiple submitters, no conflicts (2 of 4 stars). 4 submissions from 4 submitters: Benign (1); Likely benign (2). 1 of the submissions does not count toward it. Last evaluated 2026-01-06.

Conditions:
B4GAT1-related disorder. Also called: B4GAT1-related condition.
Muscular dystrophy-dystroglycanopathy (congenital with brain and eye anomalies), type A13. Also called: WALKER-WARBURG SYNDROME OR MUSCLE-EYE-BRAIN DISEASE, B3GNT1-RELATED; Muscular dystrophy-dystroglycanopathy (congenital with brain and eye anomalies), type a, 13. Identifiers: Orphanet 899, MedGen C3809042, MONDO:0014120, OMIM 615287.

Allele frequency attached by ClinVar (database versions not stated): gnomAD exomes 0.00009 and 0.00025; ExAC 0.00032; 1000 Genomes Project 0.00060; 1000 Genomes Project 30x 0.00062; TOPMed 0.00090; gnomAD 0.00097 and 0.00106; ESP Exome Variant Server 0.00100.

Submissions (4):

Labcorp Genetics (formerly Invitae), Labcorp
Classification: Benign for Muscular dystrophy-dystroglycanopathy (congenital with brain and eye anomalies), type A13. Last evaluated: 2026-01-06. Review status: criteria provided, single submitter. Criteria: Invitae Variant Classification Sherloc (09022015). Collection method: clinical testing. Allele origin: germline.

GeneDx
Classification: Likely benign. Last evaluated: 2019-10-25. Review status: criteria provided, single submitter. Criteria: GeneDx Variant Classification Process June 2021. Collection method: clinical testing. Allele origin: germline. Affected: yes.

Breakthrough Genomics
Classification: Likely benign. Review status: criteria provided, single submitter. Criteria: ACMG Guidelines, 2015. Collection method: not provided. Allele origin: germline. Inheritance: Autosomal recessive inheritance. Affected: yes.

PreventionGenetics, part of Exact Sciences
Classification: Likely benign for B4GAT1-related condition. Last evaluated: 2019-08-28. Review status: no assertion criteria provided. Collection method: clinical testing. Allele origin: germline. Not counted in ClinVar's aggregate classification.
Comment: This variant is classified as likely benign based on ACMG/AMP sequence variant interpretation guidelines (Richards et al. 2015 PMID: 25741868, with internal and published modifications).

NM_006876.3(B4GAT1):c.1161G>A (p.Glu387=)

Gene: B4GAT1 (beta-1,4-glucuronyltransferase 1; minus strand). Cytogenetic location: 11q13.2.
Variant type: single nucleotide variant.
Coding change: c.1161G>A on transcript NM_006876.3 (MANE Select); coding-DNA position 1161, G replaced by A.
Protein change: p.Glu387=; no amino-acid change (glutamic acid 387 retained).
Molecular consequence: synonymous variant.
Genome position (GRCh38, 1-based): chr11:66,346,136, C>T on the plus strand (G>A on the coding strand, the complement: B4GAT1 is on the minus strand). VCF-style: chr11-66346136-C-T. GRCh37 (hg19) VCF-style: chr11-66113607-C-T.
Identifiers: ClinVar variation 474248 (VCV000474248.17), dbSNP rs139287952, ClinGen allele CA6120437.